The following is an entry in ClinVar:

ClinVar aggregate classification (germline): Uncertain significance (1 of 4 stars; one submission).

Submission:

CeGaT Center for Human Genetics Tuebingen
Classification: Uncertain significance. Last evaluated: 2025-02-01. Review status: criteria provided, single submitter. Criteria: CeGaT Center For Human Genetics Tuebingen Variant Classification Criteria Version 2. Collection method: clinical testing. Allele origin: germline. Affected: yes. Observed: 1 variant allele.
Comment: KCNA2: PM2, PP2, BP4

NM_004974.4(KCNA2):c.*9383T>C

Gene: KCNA2 (potassium voltage-gated channel subfamily A member 2; minus strand). Cytogenetic location: 1p13.3.
Variant type: single nucleotide variant.
Coding change: c.*9383T>C on transcript NM_004974.4 (MANE Select); 9383 bases downstream of the stop codon, T replaced by C.
Molecular consequence: 3 prime UTR variant. On other transcripts: missense variant (1).
Genome position (GRCh38, 1-based): chr1:110,593,900, A>G on the plus strand (T>C on the coding strand, the complement: KCNA2 is on the minus strand). VCF-style: chr1-110593900-A-G. GRCh37 (hg19) VCF-style: chr1-111136522-A-G.
Other names: c.1064T>C, p.Met355Thr (NM_001204269.2); short protein forms M355T.
Identifiers: ClinVar variation 3771711 (VCV003771711.13).
Genomic context (GRCh38, chr1:110,593,900, plus strand): 5'-GCAGTGTTGGTGGGGCTGAAAGCTTCCAGAATATGTCAGCAAGAATGATAATATCAATAC[A>G]TCCTGTGCAATGTAGTTACAGCTGGTGTCTAAATTTTCAAGAAGCAAACAAATAGTTAAA-3'